The following is an entry in ClinVar:

ClinVar aggregate classification (germline): Conflicting classifications of pathogenicity. Review status: criteria provided, conflicting classifications (1 of 4 stars). 4 submissions from 4 submitters: Uncertain significance (3); Likely benign (1). Last evaluated 2025-07-27.

Conditions:
Familial cancer of breast. Also called: BREAST CANCER, FAMILIAL; Hereditary breast cancer; hereditary breast carcinoma. Identifiers: Orphanet 227535, MedGen C0346153, MONDO:0016419, OMIM 114480. Disease mechanism: loss of function.
Hereditary cancer-predisposing syndrome. Also called: Hereditary Cancer Syndrome; Neoplastic Syndromes, Hereditary; Tumor predisposition; Hereditary neoplastic syndrome. Identifiers: Orphanet 140162, MedGen C0027672, MeSH D009386, MONDO:0015356.

Allele frequency attached by ClinVar (database versions not stated): gnomAD exomes below 0.00001 and 0.00001; TOPMed below 0.00001; ExAC 0.00001; gnomAD 0.00001.

Submissions (4):

Labcorp Genetics (formerly Invitae), Labcorp
Classification: Uncertain significance for Familial cancer of breast. Last evaluated: 2025-07-27. Review status: criteria provided, single submitter. Criteria: Invitae Variant Classification Sherloc (09022015). Collection method: clinical testing. Allele origin: germline.
Comment: This sequence change replaces lysine, which is basic and polar, with glutamic acid, which is acidic and polar, at codon 543 of the PALB2 protein (p.Lys543Glu). This variant is present in population databases (rs770908238, gnomAD 0.0009%). This variant has not been reported in the literature in individuals affected with PALB2-related conditions. ClinVar contains an entry for this variant (Variation ID: 481158). Invitae Evidence Modeling of protein sequence and biophysical properties (such as structural, functional, and spatial information, amino acid conservation, physicochemical variation, residue mobility, and thermodynamic stability) indicates that this missense variant is not expected to disrupt PALB2 protein function with a negative predictive value of 80%. In summary, the available evidence is currently insufficient to determine the role of this variant in disease. Therefore, it has been classified as a Variant of Uncertain Significance.

Ambry Genetics
Classification: Likely benign for Hereditary cancer-predisposing syndrome. Last evaluated: 2025-07-15. Review status: criteria provided, single submitter. Criteria: Ambry Variant Classification Scheme 2023. Collection method: clinical testing. Allele origin: germline.

Color Diagnostics, LLC DBA Color Health
Classification: Uncertain significance for Hereditary cancer-predisposing syndrome. Last evaluated: 2024-02-28. Review status: criteria provided, single submitter. Criteria: ACMG Guidelines, 2015. Collection method: clinical testing. Allele origin: germline.
Comment: This missense variant replaces lysine with glutamic acid at codon 543 of the PALB2 protein. Computational prediction suggests that this variant may not impact protein structure and function. To our knowledge, functional studies have not been reported for this variant. This variant has been detected in a breast cancer case-control meta-analysis in 0/60466 cases and 1/53461 unaffected individuals (PMID: 33471991; Leiden Open Variation Database DB-ID PALB2_010995) and reported in 1 individual age 70 years or older without cancer in the FLOSSIES database. This variant has been identified in 1/251454 chromosomes in the general population by the Genome Aggregation Database (gnomAD). The available evidence is insufficient to determine the role of this variant in disease conclusively. Therefore, this variant is classified as a Variant of Uncertain Significance.

GeneDx
Classification: Uncertain significance. Last evaluated: 2022-08-07. Review status: criteria provided, single submitter. Criteria: GeneDx Variant Classification Process June 2021. Collection method: clinical testing. Allele origin: germline. Affected: yes.
Comment: Not observed at significant frequency in large population cohorts (gnomAD); In silico analysis supports that this missense variant does not alter protein structure/function; Has not been previously published as pathogenic or benign to our knowledge

Literature cited by the submitters: PubMed 33471991 (cited by Ambry Genetics and Color Diagnostics, LLC DBA Color Health).

NM_024675.4(PALB2):c.1627A>G (p.Lys543Glu)

Gene: PALB2 (partner and localizer of BRCA2; minus strand). Cytogenetic location: 16p12.2.
Variant type: single nucleotide variant.
Coding change: c.1627A>G on transcript NM_024675.4 (MANE Select); coding-DNA position 1627, A replaced by G.
Protein change: p.Lys543Glu; replaces lysine 543 with glutamic acid.
Molecular consequence: missense variant.
Genome position (GRCh38, 1-based): chr16:23,634,919, T>C on the plus strand (A>G on the coding strand, the complement: PALB2 is on the minus strand). VCF-style: chr16-23634919-T-C. GRCh37 (hg19) VCF-style: chr16-23646240-T-C.
Other names: short protein forms K543E.
Identifiers: ClinVar variation 481158 (VCV000481158.21), dbSNP rs770908238, ClinGen allele CA7963689.